The following is an entry in ClinVar:

ClinVar aggregate classification (germline): Uncertain significance. Review status: criteria provided, multiple submitters, no conflicts (2 of 4 stars). 3 submissions from 3 submitters: Uncertain significance (3). Last evaluated 2026-04-19.

Conditions:
MYO3A-related disorder. Also called: MYO3A-related condition.

Allele frequency attached by ClinVar (database versions not stated): TOPMed 0.00008; ExAC 0.00009; gnomAD 0.00009 and 0.00010; gnomAD exomes 0.00010 and 0.00015.
gnomAD v4.1: 229 of 1,613,858 alleles (0.014%); highest among the groups gnomAD compares: Non-Finnish European, 0.018%; no homozygotes.

Submissions (3):

PreventionGenetics, part of Exact Sciences
Classification: Uncertain significance for MYO3A-related condition. Last evaluated: 2026-04-19. Review status: criteria provided, single submitter. Criteria: ACMG Guidelines, 2015. Collection method: clinical testing. Allele origin: germline.
Comment: The MYO3A c.2353G>T variant is predicted to result in the amino acid substitution p.Gly785Cys. To our knowledge, this variant has not been reported in the literature. This variant is reported in 0.019% of alleles in individuals of European (Non-Finnish) descent in gnomAD. At this time, the clinical significance of this variant is uncertain due to the absence of conclusive functional and genetic evidence.

GeneDx
Classification: Uncertain significance. Last evaluated: 2025-10-01. Review status: criteria provided, single submitter. Criteria: GeneDx Variant Classification Process June 2021. Collection method: clinical testing. Allele origin: germline. Affected: yes.
Comment: In silico analysis supports that this missense variant has a deleterious effect on protein structure/function; Has not been previously published as pathogenic or benign to our knowledge

Labcorp Genetics (formerly Invitae), Labcorp
Classification: Uncertain significance. Last evaluated: 2025-03-17. Review status: criteria provided, single submitter. Criteria: Invitae Variant Classification Sherloc (09022015). Collection method: clinical testing. Allele origin: germline.
Comment: This sequence change replaces glycine, which is neutral and non-polar, with cysteine, which is neutral and slightly polar, at codon 785 of the MYO3A protein (p.Gly785Cys). This variant is present in population databases (rs202001447, gnomAD 0.02%). This variant has not been reported in the literature in individuals affected with MYO3A-related conditions. ClinVar contains an entry for this variant (Variation ID: 1301275). Invitae Evidence Modeling of protein sequence and biophysical properties (such as structural, functional, and spatial information, amino acid conservation, physicochemical variation, residue mobility, and thermodynamic stability) indicates that this missense variant is not expected to disrupt MYO3A protein function with a negative predictive value of 80%. In summary, the available evidence is currently insufficient to determine the role of this variant in disease. Therefore, it has been classified as a Variant of Uncertain Significance.

NM_017433.5(MYO3A):c.2353G>T (p.Gly785Cys)

Gene: MYO3A (myosin IIIA; plus strand). Cytogenetic location: 10p12.1.
Variant type: single nucleotide variant.
Coding change: c.2353G>T on transcript NM_017433.5 (MANE Select); coding-DNA position 2353, G replaced by T.
Protein change: p.Gly785Cys; replaces glycine 785 with cysteine.
Molecular consequence: missense variant.
Genome position (GRCh38, 1-based): chr10:26,143,538, G>T. VCF-style: chr10-26143538-G-T. GRCh37 (hg19) VCF-style: chr10-26432467-G-T.
Other names: short protein forms G785C.
Identifiers: ClinVar variation 1301275 (VCV001301275.10), dbSNP rs202001447, ClinGen allele CA5444942.